The following is an entry in ClinVar:

NM_000925.4(PDHB):c.714dup (p.Val239fs)

Gene: PDHB (pyruvate dehydrogenase E1 subunit beta; minus strand). Cytogenetic location: 3p14.3.
Variant type: Duplication.
Coding change: c.714dup on transcript NM_000925.4 (MANE Select); coding-DNA position 714, one base duplicated (T; older notation c.714dupT).
Protein change: p.Val239fs; shifts the reading frame from valine 239.
Molecular consequence: frameshift variant. On other transcripts: non-coding transcript variant (1).
Genome position (GRCh38, 1-based): chr3:58,429,786, A duplicated on the plus strand (T on the coding strand, the reverse complement: PDHB is on the minus strand). VCF-style (leftmost placement, unchanged base first): chr3-58429785-C-CA. GRCh37 (hg19) VCF-style: chr3-58415512-C-CA.
Other names: c.660dup, p.Val221fs (NM_001173468.2, NM_001315536.2); short protein forms V221fs, V239fs.
Identifiers: ClinVar variation 2760571 (VCV002760571.3), dbSNP rs2471365738, ClinGen allele CA2697556756.
Genomic context (GRCh38, chr3:58,429,785, plus strand): 5'-CTTTAGATAGCACTGCTGCAGCTTCTAAGCAGTGGCCCACAGGTCTTGAATGGGAAACCA[C>CA]AGTTATATGTGTTCCTGAAAACAGAGTGGTCACAGATCAGAGATCAGGTTGAAACTGAAG-3'

ClinVar aggregate classification (germline): Pathogenic (1 of 4 stars; one submission).

Conditions:
Pyruvate dehydrogenase E1-beta deficiency (PDHBD). Identifiers: Orphanet 255138, Orphanet 765, MedGen C3279841, MONDO:0013580, OMIM 614111.

Submission:

Labcorp Genetics (formerly Invitae), Labcorp
Classification: Pathogenic for Pyruvate dehydrogenase E1-beta deficiency. Last evaluated: 2023-09-13. Review status: criteria provided, single submitter. Criteria: Invitae Variant Classification Sherloc (09022015). Collection method: clinical testing. Allele origin: germline.
Comment: For these reasons, this variant has been classified as Pathogenic. This variant has not been reported in the literature in individuals affected with PDHB-related conditions. This variant is not present in population databases (gnomAD no frequency). This sequence change creates a premature translational stop signal (p.Val239Cysfs*20) in the PDHB gene. It is expected to result in an absent or disrupted protein product. Loss-of-function variants in PDHB are known to be pathogenic (PMID: 21914562, 25356417).

Literature cited by the submitters: PubMed 21914562; PubMed 25356417.